The following is an entry in ClinVar:

ClinVar aggregate classification (germline): Uncertain significance (1 of 4 stars; one submission).

Submission:

Ambry Genetics
Classification: Uncertain significance. Last evaluated: 2026-06-12. Review status: criteria provided, single submitter. Criteria: Ambry Variant Classification Scheme 2023. Collection method: clinical testing. Allele origin: germline.
Comment: The p.I1034N variant (also known as c.3101T>A), located in coding exon 27 of the KIF1B gene, results from a T to A substitution at nucleotide position 3101. The isoleucine at codon 1034 is replaced by asparagine, an amino acid with dissimilar properties. This amino acid position is conserved. In addition, this alteration is predicted to be tolerated by in silico analysis. Based on the available evidence, the clinical significance of this variant remains unclear.

NM_001365951.3(KIF1B):c.3239T>A (p.Ile1080Asn)

Gene: KIF1B (kinesin family member 1B; plus strand). Cytogenetic location: 1p36.22.
Variant type: single nucleotide variant.
Coding change: c.3239T>A on transcript NM_001365951.3 (MANE Select); coding-DNA position 3239, T replaced by A.
Protein change: p.Ile1080Asn; replaces isoleucine 1080 with asparagine.
Molecular consequence: missense variant.
Genome position (GRCh38, 1-based): chr1:10,337,183, T>A. VCF-style: chr1-10337183-T-A. GRCh37 (hg19) VCF-style: chr1-10397241-T-A.
Other names: c.3239T>A, p.Ile1080Asn (NM_001365952.1); c.3101T>A, p.Ile1034Asn (NM_015074.3); short protein forms I1034N, I1080N.
Identifiers: ClinVar variation 4858888 (VCV004858888.1).
Genomic context (GRCh38, chr1:10,337,183, plus strand): 5'-AGTTGAGGATTGTGGAAGGACAGGGTCAGAGTTCTGAGGTCATCACTCCTCCAGAAGAAA[T>A]CAGTCGAATTAATGACTTGGGTATGTAGACATAGTTTACTGTGCTTGGGGACATTTTCGA-3'
Protein context (NP_001352880.1, residues 1070-1090): SSEVITPPEE[Ile1080Asn]SRINDLDLKS